The following is an entry in ClinVar:

ClinVar aggregate classification (germline): Uncertain significance (1 of 4 stars; one submission).

Submission:

Clinical Genomics Laboratory, Laboratory for Precision Diagnostics, University of Washington
Classification: Uncertain significance. Last evaluated: 2017-04-27. Review status: criteria provided, single submitter. Criteria: Clinical Cytogenomics Laboratory Policy on CNV Interpretation. Collection method: clinical testing. Allele origin: unknown. Affected: yes. Observed: 1 variant allele.

GRCh37/hg19 7q36.3(chr7:158412279-159126310)x1

Genes: DYNC2I1 (dynein 2 intermediate chain 1; plus strand), ESYT2 (extended synaptotagmin 2; minus strand), NCAPG2 (non-SMC condensin II complex subunit G2; minus strand), VIPR2 (vasoactive intestinal peptide receptor 2; minus strand). Cytogenetic location: 7q36.3.
Variant type: copy number loss.
Change: copy number 1 (one copy instead of two) of chr7:158,412,279-159,126,310 (714.0 kb, GRCh37 coordinates, 1-based), cytogenetic band 7q36.3.
Identifiers: ClinVar variation 446334 (VCV000446334.4).